The following is an entry in ClinVar:

ClinVar aggregate classification (germline): Conflicting classifications of pathogenicity. Review status: criteria provided, conflicting classifications (1 of 4 stars). 3 submissions from 2 submitters: Likely pathogenic (2); Uncertain significance (1). Last evaluated 2022-07-12.

Conditions:
Dilated cardiomyopathy 1G (CMD1G). Identifiers: Orphanet 154, MedGen C1858763, MONDO:0011400, OMIM 604145.
Autosomal recessive limb-girdle muscular dystrophy type 2J (LGMDR10). Also called: Limb-girdle muscular dystrophy, type 2J; MUSCULAR DYSTROPHY, LIMB-GIRDLE, AUTOSOMAL RECESSIVE 10. Identifiers: Orphanet 140922, MedGen C1837342, MONDO:0012127, OMIM 608807.

Submissions (3):

Labcorp Genetics (formerly Invitae), Labcorp
Classification: Likely pathogenic for Dilated cardiomyopathy 1G; Autosomal recessive limb-girdle muscular dystrophy type 2J. Last evaluated: 2022-07-12. Review status: criteria provided, single submitter. Criteria: Invitae Variant Classification Sherloc (09022015). Collection method: clinical testing. Allele origin: germline.
Comment: In summary, the currently available evidence indicates that the variant is pathogenic, but additional data are needed to prove that conclusively. Therefore, this variant has been classified as Likely Pathogenic. This variant is located in the M band of TTN (PMID: 25589632). Truncating variants in this region have been previously reported in individuals affected with autosomal recessive myopathy and muscular dystrophy (PMID: 18948003, 23975875, 24395473), but have not been definitively shown to cause cardiomyopathy (PMID: 25589632). ClinVar contains an entry for this variant (Variation ID: 404666). This variant has not been reported in the literature in individuals affected with TTN-related conditions. This variant is not present in population databases (gnomAD no frequency). This sequence change creates a premature translational stop signal (p.Gln35822Serfs*21) in the TTN gene. While this is not anticipated to result in nonsense mediated decay, it is expected to create a truncated TTN protein.

Labcorp Genetics (formerly Invitae), Labcorp
Classification: Likely pathogenic for Autosomal recessive limb-girdle muscular dystrophy type 2J. Last evaluated: 2017-04-26. Review status: criteria provided, single submitter. Criteria: Invitae Variant Classification Sherloc (09022015). Collection method: clinical testing. Allele origin: germline.
Comment: This sequence change inserts 4 nucleotides in exon 362 of the TTN mRNA (c.107460_107463dupAGTC), causing a frameshift at codon 35822. This creates a premature translational stop signal (p.Gln35822Serfs*21) and is expected to result in an absent or disrupted protein product. This variant is found in the M-band of this gene. While this particular variant has not been reported in the literature, truncating variants in the M-band of TTN previously reported in patients affected with various forms of myopathy and muscular dystrophy (PMID: 18948003, 23975875, 24395473). For these reasons, this variant has been classified as Likely Pathogenic.

Eurofins Ntd Llc (ga)
Classification: Uncertain significance. Last evaluated: 2015-07-21. Review status: criteria provided, single submitter. Criteria: EGL Classification Definitions. Collection method: clinical testing. Allele origin: germline. Observed: 1 variant allele, 1 heterozygote.

Literature cited by the submitters: PubMed 25589632 (cited by Labcorp Genetics (formerly Invitae), Labcorp); PubMed 18948003 (cited by Labcorp Genetics (formerly Invitae), Labcorp); PubMed 23975875 (cited by Labcorp Genetics (formerly Invitae), Labcorp); PubMed 24395473 (cited by Labcorp Genetics (formerly Invitae), Labcorp).

NM_001267550.2(TTN):c.107460_107463dup (p.Gln35822fs)

Genes: TTN-AS1 (TTN antisense RNA 1; plus strand), TTN (titin; minus strand). Cytogenetic location: 2q31.2.
Variant type: Microsatellite.
Coding change: c.107460_107463dup on transcript NM_001267550.2 (MANE Select); coding-DNA positions 107460 to 107463, 4 bases duplicated (AGTC; older notation c.107460_107463dupAGTC).
Protein change: p.Gln35822fs; shifts the reading frame from glutamine 35822.
Molecular consequence: frameshift variant.
Genome position (GRCh38, 1-based): chr2:178,527,663-178,527,666, GACT duplicated on the plus strand (AGTC on the coding strand, the reverse complement: TTN is on the minus strand); duplicating any 4 consecutive bases within chr2:178,527,663-178,527,672 gives the same sequence; the c. name uses the placement nearest the transcript's 3' end. VCF-style (leftmost placement, unchanged base first): chr2-178527662-G-GGACT. GRCh37 (hg19) VCF-style: chr2-179392389-G-GGACT.
Other names: c.102537_102540dup, p.Gln34181fs (NM_001256850.1); c.80640_80643dup, p.Gln26882fs (NM_133432.3); c.80841_80844dup, p.Gln26949fs (NM_133437.4); c.80265_80268dup, p.Gln26757fs (NM_003319.4); c.99756_99759dup, p.Gln33254fs (NM_133378.4); c.107460_107463dupAGTC (NM_001267550.2); short protein forms Q26882fs, Q34181fs, Q35822fs, Q26757fs, Q26949fs, Q33254fs.
Identifiers: ClinVar variation 404666 (VCV000404666.14), dbSNP rs886042246, ClinGen allele CA10603981.